The following is an entry in ClinVar:

NM_032634.4(PIGO):c.2497T>G (p.Ser833Ala)

Gene: PIGO (phosphatidylinositol glycan anchor biosynthesis class O; minus strand). Cytogenetic location: 9p13.3.
Variant type: single nucleotide variant.
Coding change: c.2497T>G on transcript NM_032634.4 (MANE Select); coding-DNA position 2497, T replaced by G.
Protein change: p.Ser833Ala; replaces serine 833 with alanine.
Molecular consequence: missense variant. On other transcripts: intron variant (2).
Genome position (GRCh38, 1-based): chr9:35,091,390, A>C on the plus strand (T>G on the coding strand, the complement: PIGO is on the minus strand). VCF-style: chr9-35091390-A-C. GRCh37 (hg19) VCF-style: chr9-35091387-A-C.
Other names: c.1345-99T>G (NM_152850.4, NM_001201484.2); short protein forms S833A.
Identifiers: ClinVar variation 947279 (VCV000947279.9), dbSNP rs931445470, ClinGen allele CA192709786.

ClinVar aggregate classification (germline): Uncertain significance. Review status: criteria provided, multiple submitters, no conflicts (2 of 4 stars). 2 submissions from 2 submitters: Uncertain significance (2). Last evaluated 2026-03-12.

Conditions:
Inborn genetic diseases. Identifiers: MedGen C0950123, MeSH D030342.
Hyperphosphatasia with impaired intellectual development syndrome 2. Also called: Hyperphosphatasia with intellectual disability syndrome 2; GLYCOSYLPHOSPHATIDYLINOSITOL BIOSYNTHESIS DEFECT 6. Identifiers: Orphanet 247262, MedGen C3553637, MONDO:0013882, OMIM 614749.

Allele frequency attached by ClinVar (database versions not stated): gnomAD exomes 0.00001; TOPMed 0.00002.

Submissions (2):

Ambry Genetics
Classification: Uncertain significance for Inborn genetic diseases. Last evaluated: 2026-03-12. Review status: criteria provided, single submitter. Criteria: Ambry Variant Classification Scheme 2023. Collection method: clinical testing. Allele origin: germline.
Comment: The c.2497T>G (p.S833A) alteration is located in exon 7 (coding exon 6) of the PIGO gene. This alteration results from a T to G substitution at nucleotide position 2497, causing the serine (S) at amino acid position 833 to be replaced by an alanine (A). Based on data from gnomAD, the G allele has an overall frequency of 0.001% (3/282736) total alleles studied. The highest observed frequency was 0.002% (3/129082) of European (non-Finnish) alleles. Based on insufficient or conflicting evidence, the clinical significance of this alteration remains unclear.

Labcorp Genetics (formerly Invitae), Labcorp
Classification: Uncertain significance for Hyperphosphatasia with impaired intellectual development syndrome 2. Last evaluated: 2025-02-25. Review status: criteria provided, single submitter. Criteria: Invitae Variant Classification Sherloc (09022015). Collection method: clinical testing. Allele origin: germline.
Comment: This sequence change replaces serine, which is neutral and polar, with alanine, which is neutral and non-polar, at codon 833 of the PIGO protein (p.Ser833Ala). This variant is present in population databases (no rsID available, gnomAD 0.002%). This variant has not been reported in the literature in individuals affected with PIGO-related conditions. ClinVar contains an entry for this variant (Variation ID: 947279). Invitae Evidence Modeling of protein sequence and biophysical properties (such as structural, functional, and spatial information, amino acid conservation, physicochemical variation, residue mobility, and thermodynamic stability) has been performed for this missense variant. However, the output from this modeling did not meet the statistical confidence thresholds required to predict the impact of this variant on PIGO protein function. In summary, the available evidence is currently insufficient to determine the role of this variant in disease. Therefore, it has been classified as a Variant of Uncertain Significance.